The following is an entry in ClinVar:

ClinVar aggregate classification (germline): Likely benign (1 of 4 stars; one submission).

Allele frequency attached by ClinVar (database versions not stated): TOPMed 0.00011; gnomAD 0.00013; gnomAD exomes 0.00021; ESP Exome Variant Server 0.00028; ExAC 0.00029.
gnomAD v4.1: 244 of 1,210,243 alleles (0.02%); highest among the groups gnomAD compares: Non-Finnish European, 0.025%; no homozygotes.

Submission:

CeGaT Center for Human Genetics Tuebingen
Classification: Likely benign. Last evaluated: 2023-12-01. Review status: criteria provided, single submitter. Criteria: CeGaT Center For Human Genetics Tuebingen Variant Classification Criteria Version 2. Collection method: clinical testing. Allele origin: germline. Affected: yes. Observed: 1 variant allele.
Comment: BCORL1: BP4, BS2

NM_001379451.1(BCORL1):c.2912C>G (p.Ala971Gly)

Gene: BCORL1 (BCL6 corepressor like 1; plus strand). Cytogenetic location: Xq26.1.
Variant type: single nucleotide variant.
Coding change: c.2912C>G on transcript NM_001379451.1 (MANE Select); coding-DNA position 2912, C replaced by G.
Protein change: p.Ala971Gly; replaces alanine 971 with glycine.
Molecular consequence: missense variant.
Genome position (GRCh38, 1-based): chrX:130,015,684, C>G. VCF-style: chrX-130015684-C-G. GRCh37 (hg19) VCF-style: chrX-129149660-C-G.
Other names: c.2912C>G, p.Ala971Gly (NM_001184772.3, NM_001379450.1, NM_021946.5); short protein forms A971G.
Identifiers: ClinVar variation 3025499 (VCV003025499.22), dbSNP rs144332650, ClinGen allele CA10514422.